The following is an entry in ClinVar:

ClinVar aggregate classification (germline): Uncertain significance (1 of 4 stars; one submission).

Conditions:
Inborn genetic diseases. Identifiers: MedGen C0950123, MeSH D030342.

Submission:

Ambry Genetics
Classification: Uncertain significance for Inborn genetic diseases. Last evaluated: 2025-06-15. Review status: criteria provided, single submitter. Criteria: Ambry Variant Classification Scheme 2023. Collection method: clinical testing. Allele origin: germline.
Comment: The p.I605T variant (also known as c.1814T>C), located in coding exon 8 of the MECOM gene, results from a T to C substitution at nucleotide position 1814. The isoleucine at codon 605 is replaced by threonine, an amino acid with similar properties. This amino acid position is conserved. In addition, this alteration is predicted to be tolerated by in silico analysis. Based on the available evidence, the clinical significance of this variant remains unclear.

NM_004991.4(MECOM):c.1814T>C (p.Ile605Thr)

Gene: MECOM (MDS1 and EVI1 complex locus; minus strand). Cytogenetic location: 3q26.2.
Variant type: single nucleotide variant.
Coding change: c.1814T>C on transcript NM_004991.4 (MANE Select); coding-DNA position 1814, T replaced by C.
Protein change: p.Ile605Thr; replaces isoleucine 605 with threonine.
Molecular consequence: missense variant. On other transcripts: intron variant (2).
Genome position (GRCh38, 1-based): chr3:169,116,058, A>G on the plus strand (T>C on the coding strand, the complement: MECOM is on the minus strand). VCF-style: chr3-169116058-A-G. GRCh37 (hg19) VCF-style: chr3-168833846-A-G.
Other names: c.1445T>C, p.Ile482Thr (NM_001105077.4); c.1250T>C, p.Ile417Thr (NM_001105078.4, NM_001164000.2, NM_001205194.2 and 4 more transcripts); c.1253T>C, p.Ile418Thr (NM_001163999.2, NM_001366467.2, NM_001366468.2 and 1 more transcripts); c.1814T>C, p.Ile605Thr (NM_001366466.2); c.1133-291T>C (NM_001366473.2); c.569-291T>C (NM_001366474.2); short protein forms I417T, I482T, I605T, I418T.
Identifiers: ClinVar variation 4105721 (VCV004105721.1).